The following is an entry in ClinVar:

NM_000124.4(ERCC6):c.3231dup (p.Ala1078fs)

Gene: ERCC6 (ERCC excision repair 6, chromatin remodeling factor; minus strand). Cytogenetic location: 10q11.23.
Variant type: Duplication.
Coding change: c.3231dup on transcript NM_000124.4 (MANE Select); coding-DNA position 3231, one base duplicated (A; older notation c.3231dupA).
Protein change: p.Ala1078fs; shifts the reading frame from alanine 1078.
Molecular consequence: frameshift variant.
Genome position (GRCh38, 1-based): chr10:49,470,729, T duplicated on the plus strand (A on the coding strand, the reverse complement: ERCC6 is on the minus strand). VCF-style (leftmost placement, unchanged base first): chr10-49470728-C-CT. GRCh37 (hg19) VCF-style: chr10-50678774-C-CT.
Other names: c.3231dup, p.Ala1078fs (NM_001346440.2); short protein forms A1078fs.
Identifiers: ClinVar variation 2017136 (VCV002017136.4), dbSNP rs1158582797, ClinGen allele CA666035414.

ClinVar aggregate classification (germline): Pathogenic (1 of 4 stars; one submission).

Submission:

Labcorp Genetics (formerly Invitae), Labcorp
Classification: Pathogenic. Last evaluated: 2022-07-14. Review status: criteria provided, single submitter. Criteria: Invitae Variant Classification Sherloc (09022015). Collection method: clinical testing. Allele origin: germline.
Comment: For these reasons, this variant has been classified as Pathogenic. This variant has not been reported in the literature in individuals affected with ERCC6-related conditions. This variant is not present in population databases (gnomAD no frequency). This sequence change creates a premature translational stop signal (p.Ala1078Serfs*2) in the ERCC6 gene. It is expected to result in an absent or disrupted protein product. Loss-of-function variants in ERCC6 are known to be pathogenic (PMID: 18628313, 29572252).

Literature cited by the submitters: PubMed 18628313; PubMed 29572252.